The following is an entry in ClinVar:

NM_005233.6(EPHA3):c.2685C>T (p.Ala895=)

Gene: EPHA3 (EPH receptor A3; plus strand). Cytogenetic location: 3p11.1.
Variant type: single nucleotide variant.
Coding change: c.2685C>T on transcript NM_005233.6 (MANE Select); coding-DNA position 2685, C replaced by T.
Protein change: p.Ala895=; no amino-acid change (alanine 895 retained).
Molecular consequence: synonymous variant.
Genome position (GRCh38, 1-based): chr3:89,450,365, C>T. VCF-style: chr3-89450365-C-T. GRCh37 (hg19) VCF-style: chr3-89499515-C-T.
Identifiers: ClinVar variation 730083 (VCV000730083.5), dbSNP rs76565471, ClinGen allele CA2502905.
Genomic context (GRCh38, chr3:89,450,365, plus strand): 5'-TAGTATTCTGGACAAGCTTATCCGGAATCCCGGCAGCCTGAAGATCATCACCAGTGCAGC[C>T]GCAAGGTGACACATTCAATTTGTTATCTGGCATTCACTCTGAAATTTGTGTTTGCTATCT-3'
Protein context (NP_005224.2, residues 885-905): PGSLKIITSA[Ala895=]ARPSNLLLDQ

ClinVar aggregate classification (germline): Benign. Review status: criteria provided, single submitter (1 of 4 stars). 2 submissions from 2 submitters: Benign (1). 1 of the submissions does not count toward it. Last evaluated 2018-01-05.

Conditions:
EPHA3-related disorder. Also called: EPHA3-related condition.

Allele frequency attached by ClinVar (database versions not stated): gnomAD 0.00033 and 0.00046; gnomAD exomes 0.00037 and 0.00119; TOPMed 0.00074; ExAC 0.00119; 1000 Genomes Project 0.00160; 1000 Genomes Project 30x 0.00187.
gnomAD v4.1: 626 of 1,609,856 alleles (0.039%); highest among the groups gnomAD compares: East Asian, 0.88%; 4 homozygotes.

Submissions (2):

Labcorp Genetics (formerly Invitae), Labcorp
Classification: Benign. Last evaluated: 2018-01-05. Review status: criteria provided, single submitter. Criteria: Invitae Variant Classification Sherloc (09022015). Collection method: clinical testing. Allele origin: germline.

PreventionGenetics, part of Exact Sciences
Classification: Benign for EPHA3-related condition. Last evaluated: 2019-08-08. Review status: no assertion criteria provided. Collection method: clinical testing. Allele origin: germline. Not counted in ClinVar's aggregate classification.
Comment: This variant is classified as benign based on ACMG/AMP sequence variant interpretation guidelines (Richards et al. 2015 PMID: 25741868, with internal and published modifications).